The following is an entry in ClinVar:

ClinVar aggregate classification (germline): Uncertain significance (1 of 4 stars; one submission).

Conditions:
Joubert syndrome 18 (JBTS18). Identifiers: Orphanet 2754, MedGen C3553758, MONDO:0013896, OMIM 614815.
Orofacial-digital syndrome IV (OFD4). Also called: BARAITSER-BURN SYNDROME; MOHR-MAJEWSKI SYNDROME; OFD SYNDROME WITH TIBIAL DEFECTS; OFD SYNDROME, BARAITSER-BURN TYPE; OFDS IV; ORAL-FACIAL-DIGITAL SYNDROME, TYPE IV. Identifiers: Orphanet 2753, MedGen C0406727, MONDO:0009794, OMIM 258860.

Allele frequency attached by ClinVar (database versions not stated): gnomAD 0.00001; gnomAD exomes 0.00002; ExAC 0.00004.
gnomAD v4.1: 36 of 1,613,944 alleles (0.0022%); highest among the groups gnomAD compares: Non-Finnish European, 0.0029%; no homozygotes.

Submission:

Labcorp Genetics (formerly Invitae), Labcorp
Classification: Uncertain significance for Joubert syndrome 18; Orofacial-digital syndrome IV. Last evaluated: 2021-08-05. Review status: criteria provided, single submitter. Criteria: Invitae Variant Classification Sherloc (09022015). Collection method: clinical testing. Allele origin: germline.
Comment: In summary, the available evidence is currently insufficient to determine the role of this variant in disease. Therefore, it has been classified as a Variant of Uncertain Significance. Algorithms developed to predict the effect of missense changes on protein structure and function output the following: SIFT: "Tolerated"; PolyPhen-2: "Benign"; Align-GVGD: "Class C0". The alanine amino acid residue is found in multiple mammalian species, which suggests that this missense change does not adversely affect protein function. This variant has not been reported in the literature in individuals affected with TCTN3-related conditions. This variant is present in population databases (rs780438906, ExAC 0.007%). This sequence change replaces threonine with alanine at codon 256 of the TCTN3 protein (p.Thr256Ala). The threonine residue is moderately conserved and there is a small physicochemical difference between threonine and alanine.

NM_015631.6(TCTN3):c.766A>G (p.Thr256Ala)

Gene: TCTN3 (tectonic family member 3; minus strand). Cytogenetic location: 10q24.1.
Variant type: single nucleotide variant.
Coding change: c.766A>G on transcript NM_015631.6 (MANE Select); coding-DNA position 766, A replaced by G.
Protein change: p.Thr256Ala; replaces threonine 256 with alanine.
Molecular consequence: missense variant.
Genome position (GRCh38, 1-based): chr10:95,687,130, T>C on the plus strand (A>G on the coding strand, the complement: TCTN3 is on the minus strand). VCF-style: chr10-95687130-T-C. GRCh37 (hg19) VCF-style: chr10-97446887-T-C.
Other names: c.529A>G, p.Thr177Ala (NM_001143973.2); short protein forms T256A, T177A.
Identifiers: ClinVar variation 1392351 (VCV001392351.6), dbSNP rs780438906, ClinGen allele CA5621072.
Genomic context (GRCh38, chr10:95,687,130, plus strand): 5'-AGGCAGCATTGAGGGCTGAATCCAAGGTACAGCTACTAGCCAGGTTCTTGAAAAAACGAG[T>C]GCAAGTTGTACTTTTACTCTCTAGGAAACCTTAAACACAAATAATTAAGAGAGTGGTAAA-3'
Protein context (NP_056446.4, residues 246-266): GFLESKSTTC[Thr256Ala]RFFKNLASSC